The following is an entry in ClinVar:

ClinVar aggregate classification (germline): Uncertain significance (1 of 4 stars; one submission).

Conditions:
Hereditary spastic paraplegia 30. Identifiers: Orphanet 101010, MedGen C5235139, MONDO:0012476.
Neuropathy, hereditary sensory, type 2C. Also called: KIF1A-Related HSAN2 (HSAN2C); Hereditary sensory and autonomic neuropathy type IIC. Identifiers: Orphanet 970, MedGen C3280168, MONDO:0013634, OMIM 614213.
Intellectual disability, autosomal dominant 9 (NESCAVS). Also called: KIF1A-Related Neurodevelopmental Disorder; NESCAV SYNDROME. Identifiers: Orphanet 662367, MedGen C5393830, MONDO:0013656, OMIM 614255.

gnomAD v4.1: 1 of 1,552,224 alleles (0.000064%); no homozygotes.

Submission:

Labcorp Genetics (formerly Invitae), Labcorp
Classification: Uncertain significance for Hereditary spastic paraplegia 30; Neuropathy, hereditary sensory, type 2C; Intellectual disability, autosomal dominant 9. Last evaluated: 2021-10-03. Review status: criteria provided, single submitter. Criteria: Invitae Variant Classification Sherloc (09022015). Collection method: clinical testing. Allele origin: germline.
Comment: In summary, the available evidence is currently insufficient to determine the role of this variant in disease. Therefore, it has been classified as a Variant of Uncertain Significance. Algorithms developed to predict the effect of missense changes on protein structure and function are either unavailable or do not agree on the potential impact of this missense change (SIFT: "Deleterious"; PolyPhen-2: "Probably Damaging"; Align-GVGD: "Class C0"). This variant has not been reported in the literature in individuals affected with KIF1A-related conditions. This variant is not present in population databases (ExAC no frequency). This sequence change replaces proline with leucine at codon 1366 of the KIF1A protein (p.Pro1366Leu). The proline residue is highly conserved and there is a moderate physicochemical difference between proline and leucine.

NM_001244008.2(KIF1A):c.4400C>T (p.Pro1467Leu)

Gene: KIF1A (kinesin family member 1A; minus strand). Cytogenetic location: 2q37.3.
Variant type: single nucleotide variant.
Coding change: c.4400C>T on transcript NM_001244008.2 (MANE Select); coding-DNA position 4400, C replaced by T.
Protein change: p.Pro1467Leu; replaces proline 1467 with leucine.
Molecular consequence: missense variant.
Genome position (GRCh38, 1-based): chr2:240,723,477, G>A on the plus strand (C>T on the coding strand, the complement: KIF1A is on the minus strand). VCF-style: chr2-240723477-G-A. GRCh37 (hg19) VCF-style: chr2-241662894-G-A.
Other names: c.4124C>T, p.Pro1375Leu (NM_001320705.2, NM_001379649.1); c.4151C>T, p.Pro1384Leu (NM_001330289.2); c.4199C>T, p.Pro1400Leu (NM_001330290.2, NM_001379648.1); c.4475C>T, p.Pro1492Leu (NM_001379631.1); c.4376C>T, p.Pro1459Leu (NM_001379632.1); c.4373C>T, p.Pro1458Leu (NM_001379633.1, NM_001379645.1); c.4226C>T, p.Pro1409Leu (NM_001379634.1); c.4223C>T, p.Pro1408Leu (NM_001379635.1, NM_001379646.1); and 7 more; short protein forms P1366L, P1409L, P1492L, P1365L, P1383L, P1400L, P1458L, P1374L.
Identifiers: ClinVar variation 1478055 (VCV001478055.6), dbSNP rs2125604812, ClinGen allele CA351305271.